The following is an entry in ClinVar:

NM_001122681.2(SH3BP2):c.1343A>C (p.Tyr448Ser)

Gene: SH3BP2 (SH3 domain binding protein 2; plus strand). Cytogenetic location: 4p16.3.
Variant type: single nucleotide variant.
Coding change: c.1343A>C on transcript NM_001122681.2 (MANE Select); coding-DNA position 1343, A replaced by C.
Protein change: p.Tyr448Ser; replaces tyrosine 448 with serine.
Molecular consequence: missense variant.
Genome position (GRCh38, 1-based): chr4:2,831,672, A>C. VCF-style: chr4-2831672-A-C. GRCh37 (hg19) VCF-style: chr4-2833399-A-C.
Other names: c.1427A>C, p.Tyr476Ser (NM_001145855.2, LRG_1334t2); c.1514A>C, p.Tyr505Ser (NM_001145856.2); c.1343A>C, p.Tyr448Ser (NM_003023.4, LRG_1334t1); short protein forms Y448S, Y476S, Y505S.
Identifiers: ClinVar variation 575423 (VCV000575423.8), dbSNP rs1291034009, ClinGen allele CA356057981.

ClinVar aggregate classification (germline): Uncertain significance (1 of 4 stars; one submission).

Conditions:
Fibrous dysplasia of jaw (CRBM). Also called: Cherubism. Identifiers: Orphanet 184, MedGen C0008029, MONDO:0007315, OMIM 118400.

Submission:

Labcorp Genetics (formerly Invitae), Labcorp
Classification: Uncertain significance for Fibrous dysplasia of jaw. Last evaluated: 2024-02-17. Review status: criteria provided, single submitter. Criteria: Invitae Variant Classification Sherloc (09022015). Collection method: clinical testing. Allele origin: germline.
Comment: This sequence change replaces tyrosine, which is neutral and polar, with serine, which is neutral and polar, at codon 448 of the SH3BP2 protein (p.Tyr448Ser). This variant is not present in population databases (gnomAD no frequency). This variant has not been reported in the literature in individuals affected with SH3BP2-related conditions. ClinVar contains an entry for this variant (Variation ID: 575423). Advanced modeling of protein sequence and biophysical properties (such as structural, functional, and spatial information, amino acid conservation, physicochemical variation, residue mobility, and thermodynamic stability) performed at Invitae indicates that this missense variant is not expected to disrupt SH3BP2 protein function with a negative predictive value of 80%. In summary, the available evidence is currently insufficient to determine the role of this variant in disease. Therefore, it has been classified as a Variant of Uncertain Significance.